The following is an entry in ClinVar:

ClinVar aggregate classification (germline): Uncertain significance (1 of 4 stars; one submission).

Allele frequency attached by ClinVar (database versions not stated): gnomAD 0.00003; TOPMed 0.00003; gnomAD exomes 0.00004; ExAC 0.00005.

Submission:

CeGaT Center for Human Genetics Tuebingen
Classification: Uncertain significance. Last evaluated: 2023-08-01. Review status: criteria provided, single submitter. Criteria: CeGaT Center For Human Genetics Tuebingen Variant Classification Criteria Version 2. Collection method: clinical testing. Allele origin: germline. Affected: yes. Observed: 1 variant allele.
Comment: CCND2: PM2, BP4

NM_001759.4(CCND2):c.854G>A (p.Arg285Gln)

Gene: CCND2 (cyclin D2; plus strand). Cytogenetic location: 12p13.32.
Variant type: single nucleotide variant.
Coding change: c.854G>A on transcript NM_001759.4 (MANE Select); coding-DNA position 854, G replaced by A.
Protein change: p.Arg285Gln; replaces arginine 285 with glutamine.
Molecular consequence: missense variant.
Genome position (GRCh38, 1-based): chr12:4,299,993, G>A. VCF-style: chr12-4299993-G-A. GRCh37 (hg19) VCF-style: chr12-4409159-G-A.
Other names: short protein forms R285Q.
Identifiers: ClinVar variation 2642581 (VCV002642581.24), dbSNP rs753881524, ClinGen allele CA6395343.
Genomic context (GRCh38, chr12:4,299,993, plus strand): 5'-AACGTGACGGATCCAAGTCGGAGGATGAACTGGACCAAGCCAGCACCCCTACAGACGTGC[G>A]GGATATCGACCTGTGAGGATGCCAGTTGGGCCGAAAGAGAGAGACGCGTCCATAATCTGG-3'
Protein context (NP_001750.1, residues 275-289): LDQASTPTDV[Arg285Gln]DIDL